The following is an entry in ClinVar:

ClinVar aggregate classification (germline): Conflicting classifications of pathogenicity. Review status: criteria provided, conflicting classifications (1 of 4 stars). 2 submissions from 2 submitters: Likely pathogenic (1); Uncertain significance (1). Last evaluated 2026-03-13.

Conditions:
Early-infantile DEE. Also called: Ohtahara syndrome; Early infantile epileptic encephalopathy; Early infantile epileptic encephalopathy with suppression bursts. Identifiers: Orphanet 1934, MedGen C0393706, MONDO:0800491.

Submissions (2):

GeneDx
Classification: Likely pathogenic. Last evaluated: 2026-03-13. Review status: criteria provided, single submitter. Criteria: GeneDx Variant Classification Process June 2021. Collection method: clinical testing. Allele origin: germline.
Comment: Reported in a patient with muscular hypotonia in published literature (PMID: 37225406); Not observed at significant frequency in large population cohorts (gnomAD); In silico analysis supports that this missense variant has a deleterious effect on protein structure/function; This variant is associated with the following publications: (PMID: 37225406)

Labcorp Genetics (formerly Invitae), Labcorp
Classification: Uncertain significance for Early-infantile DEE. Last evaluated: 2022-10-13. Review status: criteria provided, single submitter. Criteria: Invitae Variant Classification Sherloc (09022015). Collection method: clinical testing. Allele origin: germline.
Comment: In summary, the available evidence is currently insufficient to determine the role of this variant in disease. Therefore, it has been classified as a Variant of Uncertain Significance. Advanced modeling of protein sequence and biophysical properties (such as structural, functional, and spatial information, amino acid conservation, physicochemical variation, residue mobility, and thermodynamic stability) performed at Invitae indicates that this missense variant is expected to disrupt GNAO1 protein function. ClinVar contains an entry for this variant (Variation ID: 1445893). This variant has not been reported in the literature in individuals affected with GNAO1-related conditions. This variant is not present in population databases (gnomAD no frequency). This sequence change replaces phenylalanine, which is neutral and non-polar, with serine, which is neutral and polar, at codon 288 of the GNAO1 protein (p.Phe288Ser).

NM_020988.3(GNAO1):c.863T>C (p.Phe288Ser)

Gene: GNAO1 (G protein subunit alpha o1; plus strand). Cytogenetic location: 16q13.
Variant type: single nucleotide variant.
Coding change: c.863T>C on transcript NM_020988.3 (MANE Select); coding-DNA position 863, T replaced by C.
Protein change: p.Phe288Ser; replaces phenylalanine 288 with serine.
Molecular consequence: missense variant.
Genome position (GRCh38, 1-based): chr16:56,351,523, T>C. VCF-style: chr16-56351523-T-C. GRCh37 (hg19) VCF-style: chr16-56385435-T-C.
Other names: c.863T>C (NM_020988.2); short protein forms F288S.
Identifiers: ClinVar variation 1445893 (VCV001445893.8), dbSNP rs2143699786, ClinGen allele CA395954907.
Genomic context (GRCh38, chr16:56,351,523, plus strand): 5'-TCCTCAACAAGAAAGATCTCTTTGGCGAGAAGATCAAGAAGTCACCTTTGACCATCTGCT[T>C]TCCTGAATACACAGGTGGGTGCCAGGCAGTCCTGTGCAGGGGGAAGCCTGCCCCTGACAG-3'
Protein context (NP_066268.1, residues 278-298): KIKKSPLTIC[Phe288Ser]PEYTGPNTYE